The following is an entry in ClinVar:

ClinVar aggregate classification (germline): Conflicting classifications of pathogenicity. Review status: criteria provided, conflicting classifications (1 of 4 stars). 9 submissions from 9 submitters: Uncertain significance (4); Likely benign (3). 2 of the submissions do not count toward it. Last evaluated 2025-01-23.

Conditions:
Aortic aneurysm, familial thoracic 7 (AAT7). Also called: AORTIC DISSECTION, FAMILIAL, WITH OR WITHOUT AORTIC ANEURYSM. Identifiers: MedGen C3151077, MONDO:0013418, OMIM 613780.
Familial thoracic aortic aneurysm and aortic dissection (TAAD). Also called: Thoracic aortic aneurysms and dissections. Identifiers: Orphanet 91387, MedGen C4707243, MONDO:0019625.

Allele frequency attached by ClinVar (database versions not stated): ESP Exome Variant Server 0.00008; gnomAD 0.00010; gnomAD exomes 0.00010 and 0.00013; ExAC 0.00014; TOPMed 0.00014.

Submissions (9):

Labcorp Genetics (formerly Invitae), Labcorp
Classification: Uncertain significance for Aortic aneurysm, familial thoracic 7. Last evaluated: 2025-01-23. Review status: criteria provided, single submitter. Criteria: Invitae Variant Classification Sherloc (09022015). Collection method: clinical testing. Allele origin: germline.
Comment: This sequence change replaces arginine, which is basic and polar, with histidine, which is basic and polar, at codon 378 of the MYLK protein (p.Arg378His). This variant is present in population databases (rs56378658, gnomAD 0.02%). This missense change has been observed in individual(s) with thoracic aortic aneurysms and dissections (PMID: 27146836). ClinVar contains an entry for this variant (Variation ID: 264282). Invitae Evidence Modeling of protein sequence and biophysical properties (such as structural, functional, and spatial information, amino acid conservation, physicochemical variation, residue mobility, and thermodynamic stability) indicates that this missense variant is not expected to disrupt MYLK protein function with a negative predictive value of 95%. In summary, the available evidence is currently insufficient to determine the role of this variant in disease. Therefore, it has been classified as a Variant of Uncertain Significance.

GeneDx
Classification: Uncertain significance. Last evaluated: 2023-01-11. Review status: criteria provided, single submitter. Criteria: GeneDx Variant Classification Process June 2021. Collection method: clinical testing. Allele origin: germline. Affected: yes.
Comment: Reported as a likely benign variant in one individual diagnosed with TAAD and did not segregate with disease in this individual's family (Poninska et al., 2016); In silico analysis supports that this missense variant does not alter protein structure/function; This variant is associated with the following publications: (PMID: 27146836)

Ambry Genetics
Classification: Likely benign for Familial thoracic aortic aneurysm and aortic dissection. Last evaluated: 2022-06-24. Review status: criteria provided, single submitter. Criteria: Ambry Variant Classification Scheme 2023. Collection method: clinical testing. Allele origin: germline.

CHEO Genetics Diagnostic Laboratory, Children's Hospital of Eastern Ontario
Classification: Uncertain significance for Familial thoracic aortic aneurysm and aortic dissection. Last evaluated: 2022-04-01. Review status: criteria provided, single submitter. Criteria: ACMG Guidelines, 2015. Collection method: clinical testing. Allele origin: germline.

CeGaT Center for Human Genetics Tuebingen
Classification: Likely benign. Last evaluated: 2019-03-01. Review status: criteria provided, single submitter. Criteria: CeGaT Center For Human Genetics Tuebingen Variant Classification Criteria Version 2. Collection method: clinical testing. Allele origin: germline. Affected: yes. Observed: 1 variant allele.

SIB Swiss Institute of Bioinformatics
Classification: Likely benign for Aortic aneurysm, familial thoracic 7. Last evaluated: 2018-05-31. Review status: criteria provided, single submitter. Criteria: ACMG Guidelines, 2015. Collection method: curation. Allele origin: unknown.
Comment: This variant is interpreted as a Likely Benign, for Aortic aneurysm, familial thoracic 7, in Autosomal Dominant manner. The following ACMG Tag(s) were applied: BS4 => Lack of segregation in affected members of a family (PMID:27146836). BP4 => Multiple lines of computational evidence suggest no impact on gene or gene product (conservation, evolutionary, splicing impact, etc.). BS2-Supporting => BS2 downgraded in strength to supporting.

Illumina Laboratory Services, Illumina
Classification: Uncertain significance for Aortic aneurysm, familial thoracic 7. Last evaluated: 2018-01-13. Review status: criteria provided, single submitter. Criteria: ICSL Variant Classification Criteria 13 December 2019. Collection method: clinical testing. Allele origin: germline.

Clinical Genetics DNA and cytogenetics Diagnostics Lab, Erasmus MC, Erasmus Medical Center
Classification: Likely benign. Review status: no assertion criteria provided. Collection method: clinical testing. Allele origin: germline. Affected: yes. Study: VKGL Data-share Consensus. Not counted in ClinVar's aggregate classification.

Genome Diagnostics Laboratory, University Medical Center Utrecht
Classification: Likely benign. Review status: no assertion criteria provided. Collection method: clinical testing. Allele origin: germline. Affected: yes. Study: VKGL Data-share Consensus. Not counted in ClinVar's aggregate classification.

Literature cited by the submitters: PubMed 27146836 (cited by Labcorp Genetics (formerly Invitae), Labcorp and SIB Swiss Institute of Bioinformatics).

NM_053025.4(MYLK):c.1133G>A (p.Arg378His)

Gene: MYLK (myosin light chain kinase; minus strand). Cytogenetic location: 3q21.1.
Variant type: single nucleotide variant.
Coding change: c.1133G>A on transcript NM_053025.4 (MANE Select); coding-DNA position 1133, G replaced by A.
Protein change: p.Arg378His; replaces arginine 378 with histidine.
Molecular consequence: missense variant.
Genome position (GRCh38, 1-based): chr3:123,733,863, C>T on the plus strand (G>A on the coding strand, the complement: MYLK is on the minus strand). VCF-style: chr3-123733863-C-T. GRCh37 (hg19) VCF-style: chr3-123452710-C-T.
Other names: NM_053025.3(MYLK):c.1133G>A(p.Arg378His); NM_053026.3(MYLK):c.1133G>A(p.Arg378His); NM_053027.3(MYLK):c.1133G>A(p.Arg378His); NM_053028.3(MYLK):c.1133G>A(p.Arg378His); c.605G>A, p.Arg202His (NM_001321309.2); c.1133G>A, p.Arg378His (NM_053026.4, NM_053027.4, NM_053028.4); short protein forms R378H, R202H.
Identifiers: ClinVar variation 264282 (VCV000264282.57), dbSNP rs56378658, ClinGen allele CA066713.